The following is an entry in ClinVar:

ClinVar aggregate classification (germline): Conflicting classifications of pathogenicity. Review status: criteria provided, conflicting classifications (1 of 4 stars). 6 submissions from 6 submitters: Uncertain significance (4); Likely benign (2). Last evaluated 2026-03-04.

Conditions:
TTN-related disorder. Also called: TTN-related condition; TTN-related disease; TTN-related disorders.
Cardiovascular phenotype. Identifiers: MedGen CN230736.
Cardiomyopathy (CMYO). Also called: Cardiomyopathies. Identifiers: Orphanet 167848, MedGen C0878544, MONDO:0004994, HP:0001638. Inheritance: Various modes of inheritance.

Allele frequency attached by ClinVar (database versions not stated): gnomAD 0.00001 and 0.00002; ExAC 0.00003; TOPMed 0.00003.
gnomAD v4.1: 58 of 1,611,790 alleles (0.0036%); highest among the groups gnomAD compares: Non-Finnish European, 0.0045%; no homozygotes.

Submissions (6):

PreventionGenetics, part of Exact Sciences
Classification: Uncertain significance for TTN-related condition. Last evaluated: 2026-03-04. Review status: criteria provided, single submitter. Criteria: ACMG Guidelines, 2015. Collection method: clinical testing. Allele origin: germline.
Comment: The TTN c.51961C>T variant is predicted to result in the amino acid substitution p.Arg17321Cys. This variant has been reported in an individual with cardiomyopathy (Chakova et al. 2023. PubMed ID). This variant is reported in 0.0047% of alleles in individuals of European (Non-Finnish) descent in gnomAD and has conflicting interpretations regarding its pathogenicity in ClinVar, ranging from likely benign to uncertain (Variation ID: 448803). At this time, the clinical significance of this variant is uncertain due to the absence of conclusive functional and genetic evidence.

CHEO Genetics Diagnostic Laboratory, Children's Hospital of Eastern Ontario
Classification: Likely benign for Cardiomyopathy. Last evaluated: 2022-02-11. Review status: criteria provided, single submitter. Criteria: ACMG Guidelines, 2015. Collection method: clinical testing. Allele origin: germline.

Ambry Genetics
Classification: Likely benign for Cardiovascular phenotype. Last evaluated: 2020-05-22. Review status: criteria provided, single submitter. Criteria: Ambry Variant Classification Scheme 2023. Collection method: clinical testing. Allele origin: germline.

GeneDx
Classification: Uncertain significance. Last evaluated: 2019-08-13. Review status: criteria provided, single submitter. Criteria: GeneDx Variant Classification Process June 2021. Collection method: clinical testing. Allele origin: germline. Affected: yes.
Comment: Not observed at a significant frequency in large population cohorts (Lek et al., 2016); Missense variant in a gene in which most reported pathogenic variants are truncating/loss-of-function; Has not been previously published as pathogenic or benign to our knowledge

Eurofins Ntd Llc (ga)
Classification: Uncertain significance. Last evaluated: 2017-03-07. Review status: criteria provided, single submitter. Criteria: EGL Classification Definitions 2015. Collection method: clinical testing. Allele origin: germline. Observed: 2 variant alleles, 2 heterozygotes.

Athena Diagnostics
Classification: Uncertain significance. Last evaluated: 2016-12-29. Review status: criteria provided, single submitter. Criteria: Athena Diagnostics Criteria. Collection method: clinical testing. Allele origin: germline.

NM_001267550.2(TTN):c.51961C>T (p.Arg17321Cys)

Genes: TTN-AS1 (TTN antisense RNA 1; plus strand), TTN (titin; minus strand). Cytogenetic location: 2q31.2.
Variant type: single nucleotide variant.
Coding change: c.51961C>T on transcript NM_001267550.2 (MANE Select); coding-DNA position 51961, C replaced by T.
Protein change: p.Arg17321Cys; replaces arginine 17321 with cysteine.
Molecular consequence: missense variant.
Genome position (GRCh38, 1-based): chr2:178,609,349, G>A on the plus strand (C>T on the coding strand, the complement: TTN is on the minus strand). VCF-style: chr2-178609349-G-A. GRCh37 (hg19) VCF-style: chr2-179474076-G-A.
Other names: c.51961C>T (LRG_391t1); c.47038C>T, p.Arg15680Cys (NM_001256850.1); c.24766C>T, p.Arg8256Cys (NM_003319.4); c.44257C>T, p.Arg14753Cys (NM_133378.4); c.25141C>T, p.Arg8381Cys (NM_133432.3); c.25342C>T, p.Arg8448Cys (NM_133437.4); short protein forms R17321C, R14753C, R15680C, R8448C, R8256C, R8381C.
Identifiers: ClinVar variation 448803 (VCV000448803.12), dbSNP rs752764827, ClinGen allele CA1994088.